The following is an entry in ClinVar:

ClinVar aggregate classification (germline): Uncertain significance. Review status: criteria provided, multiple submitters, no conflicts (2 of 4 stars). 2 submissions from 2 submitters: Uncertain significance (2). Last evaluated 2025-12-15.

Conditions:
Inborn genetic diseases. Identifiers: MedGen C0950123, MeSH D030342.
Pulmonary fibrosis and/or bone marrow failure, Telomere-related, 3. Also called: PULMONARY FIBROSIS AND/OR BONE MARROW FAILURE SYNDROME, TELOMERE-RELATED, 3. Identifiers: Orphanet 2032, MedGen C4225346, MONDO:0014613, OMIM 616373.
Dyskeratosis congenita, autosomal recessive 5 (DKCB5). Identifiers: MedGen C3554656, MONDO:0014076, OMIM 615190.

Allele frequency attached by ClinVar (database versions not stated): ExAC 0.00001; TOPMed 0.00001; gnomAD exomes 0.00002; gnomAD 0.00002.
gnomAD v4.1: 24 of 1,558,274 alleles (0.0015%); highest among the groups gnomAD compares: South Asian, 0.022%; no homozygotes.

Submissions (2):

Labcorp Genetics (formerly Invitae), Labcorp
Classification: Uncertain significance for Dyskeratosis congenita, autosomal recessive 5; Pulmonary fibrosis and/or bone marrow failure, Telomere-related, 3. Last evaluated: 2025-12-15. Review status: criteria provided, single submitter. Criteria: Invitae Variant Classification Sherloc (09022015). Collection method: clinical testing. Allele origin: germline.
Comment: This sequence change replaces glycine, which is neutral and non-polar, with glutamic acid, which is acidic and polar, at codon 1191 of the RTEL1 protein (p.Gly1191Glu). This variant is present in population databases (rs767695922, gnomAD 0.02%). This variant has not been reported in the literature in individuals affected with RTEL1-related conditions. ClinVar contains an entry for this variant (Variation ID: 2181742). An algorithm developed to predict the effect of missense changes on protein structure and function outputs the following: PolyPhen-2: "Benign". The glutamic acid amino acid residue is found in multiple mammalian species, which suggests that this missense change does not adversely affect protein function. In summary, the available evidence is currently insufficient to determine the role of this variant in disease. Therefore, it has been classified as a Variant of Uncertain Significance.

Ambry Genetics
Classification: Uncertain significance for Inborn genetic diseases. Last evaluated: 2025-07-09. Review status: criteria provided, single submitter. Criteria: Ambry Variant Classification Scheme 2023. Collection method: clinical testing. Allele origin: germline.
Comment: The p.G1191E variant (also known as c.3572G>A), located in coding exon 33 of the RTEL1 gene, results from a G to A substitution at nucleotide position 3572. The glycine at codon 1191 is replaced by glutamic acid, an amino acid with similar properties. This amino acid position is conserved. In addition, this alteration is predicted to be tolerated by in silico analysis. Based on the available evidence, the clinical significance of this variant remains unclear.

NM_001283009.2(RTEL1):c.3572G>A (p.Gly1191Glu)

Genes: RTEL1 (regulator of telomere elongation helicase 1; plus strand), RTEL1-TNFRSF6B (RTEL1-TNFRSF6B readthrough (NMD candidate); plus strand). Cytogenetic location: 20q13.33.
Variant type: single nucleotide variant.
Coding change: c.3572G>A on transcript NM_001283009.2 (MANE Select); coding-DNA position 3572, G replaced by A.
Protein change: p.Gly1191Glu; replaces glycine 1191 with glutamic acid.
Molecular consequence: missense variant. On other transcripts: non-coding transcript variant (1).
Genome position (GRCh38, 1-based): chr20:63,695,400, G>A. VCF-style: chr20-63695400-G-A. GRCh37 (hg19) VCF-style: chr20-62326753-G-A.
Other names: c.2903G>A, p.Gly968Glu (NM_001283010.1); c.3572G>A, p.Gly1191Glu (NM_016434.4); c.3644G>A, p.Gly1215Glu (NM_032957.5); short protein forms G1191E, G968E, G1215E.
Identifiers: ClinVar variation 2181742 (VCV002181742.3), dbSNP rs767695922, ClinGen allele CA9966128.
Genomic context (GRCh38, chr20:63,695,400, plus strand): 5'-CCGAGAAGACCGGGAAGACCCAGAGCAAGATCTCGTCCTTCCTTAGACAGAGGCCAGCAG[G>A]GACTGTGGGGGCGGGCGGTGAGGATGCAGGTCCCAGCCAGTCCTCAGGACCTCCCCACGG-3'
Protein context (NP_001269938.1, residues 1181-1201): ISSFLRQRPA[Gly1191Glu]TVGAGGEDAG